The following is an entry in ClinVar:

ClinVar aggregate classification (germline): Conflicting classifications of pathogenicity. Review status: criteria provided, conflicting classifications (1 of 4 stars). 4 submissions from 4 submitters: Uncertain significance (3); Likely benign (1). Last evaluated 2026-09-04.

Allele frequency attached by ClinVar (database versions not stated): gnomAD exomes 0.00008 and 0.00009; ExAC 0.00011; TOPMed 0.00012; gnomAD 0.00013 and 0.00015; ESP Exome Variant Server 0.00025.
gnomAD v4.1: 133 of 1,606,532 alleles (0.0083%); highest among the groups gnomAD compares: African/African-American, 0.017%; no homozygotes.

Submissions (4):

GeneDx
Classification: Uncertain significance. Last evaluated: 2026-09-04. Review status: criteria provided, single submitter. Criteria: GeneDx Variant Classification Process June 2021. Collection method: clinical testing. Allele origin: germline.
Comment: In silico analysis supports that this missense variant has a deleterious effect on protein structure/function; Has not been previously published as pathogenic or benign in association with ADGRV1-related disorders to our knowledge; This variant is associated with the following publications: (PMID: 35982160, 36399868, 35982159)

Labcorp Genetics (formerly Invitae), Labcorp
Classification: Likely benign. Last evaluated: 2026-01-19. Review status: criteria provided, single submitter. Criteria: Invitae Variant Classification Sherloc (09022015). Collection method: clinical testing. Allele origin: germline.

Blueprint Genetics
Classification: Uncertain significance. Last evaluated: 2024-03-18. Review status: criteria provided, single submitter. Criteria: ACMG Guidelines, 2015. Collection method: clinical testing. Allele origin: germline.

Revvity Omics, Revvity
Classification: Uncertain significance. Last evaluated: 2019-07-31. Review status: criteria provided, single submitter. Criteria: ACMG Guidelines, 2015. Collection method: clinical testing. Allele origin: germline.

NM_032119.4(ADGRV1):c.6269G>A (p.Arg2090His)

Gene: ADGRV1 (adhesion G protein-coupled receptor V1; plus strand). Cytogenetic location: 5q14.3.
Variant type: single nucleotide variant.
Coding change: c.6269G>A on transcript NM_032119.4 (MANE Select); coding-DNA position 6269, G replaced by A.
Protein change: p.Arg2090His; replaces arginine 2090 with histidine.
Molecular consequence: missense variant. On other transcripts: non-coding transcript variant (1).
Genome position (GRCh38, 1-based): chr5:90,684,190, G>A. VCF-style: chr5-90684190-G-A. GRCh37 (hg19) VCF-style: chr5-89980007-G-A.
Other names: c.6269G>A (NM_032119.3); short protein forms R2090H.
Identifiers: ClinVar variation 1403600 (VCV001403600.13), dbSNP rs370252248, ClinGen allele CA3339739.